The following is an entry in ClinVar:

NM_004360.5(CDH1):c.684C>G (p.Tyr228Ter)

Gene: CDH1 (cadherin 1; plus strand). Cytogenetic location: 16q22.1.
Variant type: single nucleotide variant.
Coding change: c.684C>G on transcript NM_004360.5 (MANE Select); coding-DNA position 684, C replaced by G.
Protein change: p.Tyr228Ter; replaces tyrosine 228 with a stop codon.
Molecular consequence: nonsense. On other transcripts: 5 prime UTR variant (2).
Genome position (GRCh38, 1-based): chr16:68,808,845, C>G. VCF-style: chr16-68808845-C-G. GRCh37 (hg19) VCF-style: chr16-68842748-C-G.
Other names: c.684C>G, p.Tyr228Ter (NM_001317184.2); c.-932C>G (NM_001317185.2); c.-1136C>G (NM_001317186.2); short protein forms Y228*.
Identifiers: ClinVar variation 1012194 (VCV001012194.5), dbSNP rs1960744183, ClinGen allele CA396458154.

ClinVar aggregate classification (germline): Pathogenic/Likely pathogenic. Review status: criteria provided, multiple submitters, no conflicts (2 of 4 stars). 4 submissions from 4 submitters: Pathogenic (2); Likely pathogenic (2). Last evaluated 2026-02-03.

Conditions:
Hereditary cancer-predisposing syndrome. Also called: Neoplastic Syndromes, Hereditary; Hereditary Cancer Syndrome; Hereditary neoplastic syndrome; Tumor predisposition. Identifiers: Orphanet 140162, MedGen C0027672, MeSH D009386, MONDO:0015356.
Hereditary diffuse gastric adenocarcinoma (HDGC). Also called: DIFFUSE GASTRIC AND LOBULAR BREAST CANCER SYNDROME. Identifiers: Orphanet 26106, MedGen C1708349, MONDO:0007648, OMIM 137215.
Familial cancer of breast. Also called: BREAST CANCER, FAMILIAL; Hereditary breast cancer; hereditary breast carcinoma. Identifiers: Orphanet 227535, MedGen C0346153, MONDO:0016419, OMIM 114480. Disease mechanism: loss of function.

Allele frequency attached by ClinVar (database versions not stated): TOPMed below 0.00001.

Submissions (4):

Myriad Genetics, Inc.
Classification: Pathogenic for Hereditary diffuse gastric adenocarcinoma. Last evaluated: 2026-02-03. Review status: criteria provided, single submitter. Criteria: Myriad Autosomal Dominant, Autosomal Recessive and X-Linked Classification Criteria (2023). Collection method: clinical testing. Allele origin: unknown.
Comment: This variant is considered pathogenic. This variant creates a termination codon and is predicted to result in premature protein truncation.

Ambry Genetics
Classification: Pathogenic for Hereditary cancer-predisposing syndrome. Last evaluated: 2025-11-07. Review status: criteria provided, single submitter. Criteria: Ambry Variant Classification Scheme 2023. Collection method: clinical testing. Allele origin: germline.
Comment: The p.Y228* variant (also known as c.684C>G), located in coding exon 5 of the CDH1 gene, results from a C to G substitution at nucleotide position 684. This changes the amino acid from a tyrosine to a stop codon within coding exon 5. This variant is considered to be rare based on population cohorts in the Genome Aggregation Database (gnomAD). This alteration is expected to result in loss of function by premature protein truncation or nonsense-mediated mRNA decay. As such, this alteration is interpreted as a disease-causing mutation.

Baylor Genetics
Classification: Likely pathogenic for Familial cancer of breast. Last evaluated: 2023-08-30. Review status: criteria provided, single submitter. Criteria: ACMG Guidelines, 2015. Collection method: clinical testing. Allele origin: unknown.

Department of Molecular Diagnostics, Institute of Oncology Ljubljana
Classification: Likely pathogenic for Familial cancer of breast. Last evaluated: 2020-04-02. Review status: criteria provided, single submitter. Criteria: ACMG Guidelines, 2015. Collection method: clinical testing. Allele origin: germline. Affected: yes.